The following is an entry in ClinVar:

ClinVar aggregate classification (germline): other (0 of 4 stars; one submission).

Conditions:
Familial colorectal cancer. Identifiers: MedGen CN280943, MONDO:0023113. Disease mechanism: loss of function.

Submission:

Systems Biology Platform Zhejiang California International NanoSystems Institute
Classification: other for Familial colorectal cancer. Review status: no assertion criteria provided. Collection method: not provided. Allele origin: unknown.
ClinVar note: Converted during submission from cancer to other.

NM_001127511.3(APC):c.165+21747G>T

Gene: APC (APC regulator of Wnt signaling pathway; plus strand). Cytogenetic location: 5q22.2.
Variant type: single nucleotide variant.
Coding change: c.165+21747G>T on transcript NM_001127511.3; 21747 bases into the intron after coding-DNA position 165, G replaced by T.
Molecular consequence: intron variant.
Genome position (GRCh38, 1-based): chr5:112,729,629, G>T. VCF-style: chr5-112729629-G-T. GRCh37 (hg19) VCF-style: chr5-112065326-G-T.
Other names: c.-1054+21747G>T (NM_001407470.1, NM_001407472.1); c.-19+21747G>T (NM_001407447.1, NM_001354895.2, NM_001407456.1 and 3 more transcripts); c.165+21747G>T (NM_001407446.1, NM_001354897.2, NM_001354902.2); c.-19+21980G>T (NM_001407448.1, NM_001407450.1, NM_001407457.1 and 1 more transcripts); c.-43+21980G>T (NM_001407453.1).
Identifiers: ClinVar variation 82301 (VCV000082301.4), dbSNP rs77237681, ClinGen allele CA023534.